The following is an entry in ClinVar:

ClinVar aggregate classification (germline): Uncertain significance (1 of 4 stars; one submission).

Conditions:
Microcephaly-intellectual disability-sensorineural hearing loss-epilepsy-abnormal muscle tone syndrome (NEDHSB). Also called: NEURODEVELOPMENTAL DISORDER WITH HEARING LOSS, SEIZURES, AND BRAIN ABNORMALITIES. Identifiers: Orphanet 457351, MedGen C4225276, MONDO:0014698, OMIM 616577.

Allele frequency attached by ClinVar (database versions not stated): TOPMed below 0.00001; gnomAD exomes 0.00001.
gnomAD v4.1: 19 of 1,594,436 alleles (0.0012%); highest among the groups gnomAD compares: Non-Finnish European, 0.0015%; no homozygotes.

Submission:

Labcorp Genetics (formerly Invitae), Labcorp
Classification: Uncertain significance for Microcephaly-intellectual disability-sensorineural hearing loss-epilepsy-abnormal muscle tone syndrome. Last evaluated: 2021-12-23. Review status: criteria provided, single submitter. Criteria: Invitae Variant Classification Sherloc (09022015). Collection method: clinical testing. Allele origin: germline.
Comment: This sequence change replaces serine, which is neutral and polar, with leucine, which is neutral and non-polar, at codon 486 of the SPATA5 protein (p.Ser486Leu). This variant is not present in population databases (gnomAD no frequency). This variant has not been reported in the literature in individuals affected with SPATA5-related conditions. Algorithms developed to predict the effect of missense changes on protein structure and function (SIFT, PolyPhen-2, Align-GVGD) all suggest that this variant is likely to be disruptive. In summary, the available evidence is currently insufficient to determine the role of this variant in disease. Therefore, it has been classified as a Variant of Uncertain Significance.

NM_145207.3(AFG2A):c.1457C>T (p.Ser486Leu)

Gene: AFG2A (AFG2 AAA ATPase homolog A; plus strand). Cytogenetic location: 4q28.1.
Variant type: single nucleotide variant.
Coding change: c.1457C>T on transcript NM_145207.3 (MANE Select); coding-DNA position 1457, C replaced by T.
Protein change: p.Ser486Leu; replaces serine 486 with leucine.
Molecular consequence: missense variant.
Genome position (GRCh38, 1-based): chr4:122,938,248, C>T. VCF-style: chr4-122938248-C-T. GRCh37 (hg19) VCF-style: chr4-123859403-C-T.
Other names: c.1454C>T, p.Ser485Leu (NM_001317799.2, NM_001345856.2); short protein forms S485L, S486L.
Identifiers: ClinVar variation 1959640 (VCV001959640.2), dbSNP rs970528947, ClinGen allele CA104821523.